The following is an entry in ClinVar:

NM_006766.5(KAT6A):c.3860A>T (p.Glu1287Val)

Gene: KAT6A (lysine acetyltransferase 6A; minus strand). Cytogenetic location: 8p11.21.
Variant type: single nucleotide variant.
Coding change: c.3860A>T on transcript NM_006766.5 (MANE Select); coding-DNA position 3860, A replaced by T.
Protein change: p.Glu1287Val; replaces glutamic acid 1287 with valine.
Molecular consequence: missense variant.
Genome position (GRCh38, 1-based): chr8:41,934,360, T>A on the plus strand (A>T on the coding strand, the complement: KAT6A is on the minus strand). VCF-style: chr8-41934360-T-A. GRCh37 (hg19) VCF-style: chr8-41791878-T-A.
Other names: c.3860A>T (NM_006766.3); short protein forms E1287V.
Identifiers: ClinVar variation 2920018 (VCV002920018.4), dbSNP rs771209341, ClinGen allele CA175939856.

ClinVar aggregate classification (germline): Uncertain significance. Review status: criteria provided, multiple submitters, no conflicts (2 of 4 stars). 2 submissions from 2 submitters: Uncertain significance (2). Last evaluated 2025-01-01.

Conditions:
Inborn genetic diseases. Identifiers: MedGen C0950123, MeSH D030342.

Allele frequency attached by ClinVar (database versions not stated): gnomAD exomes 0.00005.
gnomAD v4.1: 69 of 1,613,908 alleles (0.0043%); highest among the groups gnomAD compares: Non-Finnish European, 0.0058%; no homozygotes.

Submissions (2):

Ambry Genetics
Classification: Uncertain significance for Inborn genetic diseases. Last evaluated: 2025-01-01. Review status: criteria provided, single submitter. Criteria: Ambry Variant Classification Scheme 2023. Collection method: clinical testing. Allele origin: germline.

Labcorp Genetics (formerly Invitae), Labcorp
Classification: Uncertain significance. Last evaluated: 2022-11-23. Review status: criteria provided, single submitter. Criteria: Invitae Variant Classification Sherloc (09022015). Collection method: clinical testing. Allele origin: germline.
Comment: This variant has not been reported in the literature in individuals affected with KAT6A-related conditions. This variant is present in population databases (rs771209341, gnomAD 0.0009%). Advanced modeling of protein sequence and biophysical properties (such as structural, functional, and spatial information, amino acid conservation, physicochemical variation, residue mobility, and thermodynamic stability) performed at Invitae indicates that this missense variant is not expected to disrupt KAT6A protein function. In summary, the available evidence is currently insufficient to determine the role of this variant in disease. Therefore, it has been classified as a Variant of Uncertain Significance. This sequence change replaces glutamic acid, which is acidic and polar, with valine, which is neutral and non-polar, at codon 1287 of the KAT6A protein (p.Glu1287Val).